The following is an entry in ClinVar:

NM_001003800.2(BICD2):c.260C>G (p.Thr87Arg)

Gene: BICD2 (BICD cargo adaptor 2; minus strand). Cytogenetic location: 9q22.31.
Variant type: single nucleotide variant.
Coding change: c.260C>G on transcript NM_001003800.2 (MANE Select); coding-DNA position 260, C replaced by G.
Protein change: p.Thr87Arg; replaces threonine 87 with arginine.
Molecular consequence: missense variant.
Genome position (GRCh38, 1-based): chr9:92,729,217, G>C on the plus strand (C>G on the coding strand, the complement: BICD2 is on the minus strand). VCF-style: chr9-92729217-G-C. GRCh37 (hg19) VCF-style: chr9-95491499-G-C.
Other names: c.260C>G, p.Thr87Arg (NM_015250.4); short protein forms T87R.
Identifiers: ClinVar variation 2964178 (VCV002964178.3), dbSNP rs2490476548, ClinGen allele CA374027355.

ClinVar aggregate classification (germline): Uncertain significance (1 of 4 stars; one submission).

Conditions:
Autosomal dominant childhood-onset proximal spinal muscular atrophy with contractures (SMALED2A). Also called: SPINAL MUSCULAR ATROPHY, LOWER EXTREMITY-PREDOMINANT, 2A, CHILDHOOD ONSET, AUTOSOMAL DOMINANT; Spinal muscular atrophy, lower extremity-predominant, 2A, autosomal dominant. Identifiers: Orphanet 363447, Orphanet 363454, MedGen C4747715, MONDO:0014121, OMIM 615290.

Submission:

Labcorp Genetics (formerly Invitae), Labcorp
Classification: Uncertain significance for Autosomal dominant childhood-onset proximal spinal muscular atrophy with contractures. Last evaluated: 2024-01-02. Review status: criteria provided, single submitter. Criteria: Invitae Variant Classification Sherloc (09022015). Collection method: clinical testing. Allele origin: germline.
Comment: This sequence change replaces threonine, which is neutral and polar, with arginine, which is basic and polar, at codon 87 of the BICD2 protein (p.Thr87Arg). This variant is not present in population databases (gnomAD no frequency). This variant has not been reported in the literature in individuals affected with BICD2-related conditions. Advanced modeling of protein sequence and biophysical properties (such as structural, functional, and spatial information, amino acid conservation, physicochemical variation, residue mobility, and thermodynamic stability) performed at Invitae indicates that this missense variant is not expected to disrupt BICD2 protein function with a negative predictive value of 80%. In summary, the available evidence is currently insufficient to determine the role of this variant in disease. Therefore, it has been classified as a Variant of Uncertain Significance.